The following is an entry in ClinVar:

ClinVar aggregate classification (germline): Uncertain significance (1 of 4 stars; one submission).

Submission:

GeneDx
Classification: Uncertain significance. Last evaluated: 2023-05-26. Review status: criteria provided, single submitter. Criteria: GeneDx Variant Classification Process June 2021. Collection method: clinical testing. Allele origin: germline. Affected: yes.
Comment: Not observed at significant frequency in large population cohorts (gnomAD); In silico analysis supports that this missense variant does not alter protein structure/function; Has not been previously published as pathogenic or benign to our knowledge

NM_001130438.3(SPTAN1):c.3215T>C (p.Leu1072Pro)

Gene: SPTAN1 (spectrin alpha, non-erythrocytic 1; plus strand). Cytogenetic location: 9q34.11.
Variant type: single nucleotide variant.
Coding change: c.3215T>C on transcript NM_001130438.3 (MANE Select); coding-DNA position 3215, T replaced by C.
Protein change: p.Leu1072Pro; replaces leucine 1072 with proline.
Molecular consequence: missense variant. On other transcripts: intron variant (3).
Genome position (GRCh38, 1-based): chr9:128,593,042, T>C. VCF-style: chr9-128593042-T-C. GRCh37 (hg19) VCF-style: chr9-131355321-T-C.
Other names: c.3215T>C, p.Leu1072Pro (NM_001363759.2, NM_001375310.1, NM_001375311.2 and 2 more transcripts); c.3251T>C, p.Leu1084Pro (NM_001375312.2, NM_001375318.1); c.3156-1133T>C (NM_001375314.2, NM_001363765.2, NM_001195532.2); short protein forms L1072P, L1084P.
Identifiers: ClinVar variation 3343829 (VCV003343829.1).
Genomic context (GRCh38, chr9:128,593,042, plus strand): 5'-GGACACGCATAACTAAGGAGGCCGGCAGTGTATCTCTGCGTATGAAGCAGGTGGAAGAAC[T>C]GTGAGTAGGCTGAGAGTCTTGCAGAGCACCAATGTCCACTGCTACCCTATCCATTCTCCC-3'
Protein context (NP_001123910.1, residues 1062-1082): VSLRMKQVEE[Leu1072Pro]YHSLLELGEK